The following is an entry in ClinVar:

ClinVar aggregate classification (germline): Likely benign (1 of 4 stars; one submission).

Conditions:
Catecholaminergic polymorphic ventricular tachycardia (CVPT). Also called: Catecholamine-induced polymorphic ventricular tachycardia. Identifiers: Orphanet 3286, MedGen C5574922, MONDO:0017990.

gnomAD v4.1: 1 of 1,613,916 alleles (0.000062%); no homozygotes.

Submission:

All of Us Research Program, National Institutes of Health
Classification: Likely benign for Catecholaminergic polymorphic ventricular tachycardia. Last evaluated: 2024-05-30. Review status: criteria provided, single submitter. Criteria: ACMG Guidelines, 2015. Collection method: clinical testing. Allele origin: germline. Inheritance: Autosomal dominant inheritance. Observed: 1 variant allele, 1 heterozygote.
Comment: This study involves interpretation of variants in research participants for the purpose of population health screening. Participant phenotype was not available at the time of variant classification. Additional details can be found in publication PMID: 35346344, PMCID: PMC8962531

NM_001035.3(RYR2):c.3564A>G (p.Ser1188=)

Gene: RYR2 (ryanodine receptor 2; plus strand). Cytogenetic location: 1q43.
Variant type: single nucleotide variant.
Coding change: c.3564A>G on transcript NM_001035.3 (MANE Select); coding-DNA position 3564, A replaced by G.
Protein change: p.Ser1188=; no amino-acid change (serine 1188 retained).
Molecular consequence: synonymous variant.
Genome position (GRCh38, 1-based): chr1:237,569,285, A>G. VCF-style: chr1-237569285-A-G. GRCh37 (hg19) VCF-style: chr1-237732585-A-G.
Identifiers: ClinVar variation 3385708 (VCV003385708.1).